The following is an entry in ClinVar:

ClinVar aggregate classification (germline): Benign/Likely benign. Review status: criteria provided, multiple submitters, no conflicts (2 of 4 stars). 7 submissions from 6 submitters: Benign (5); Likely benign (1). 1 of the submissions does not count toward it. Last evaluated 2026-02-01.

Conditions:
Acute intermittent porphyria (AIP). Also called: HMBS deficiency; Hydroxymethylbilane Synthase Deficiency; Acute Intermittent Porphyria (AIP); Acute Porphyria; Acute intermittent porphyria (autosomal dominant); PBGD DEFICIENCY. Identifiers: Orphanet 79276, MedGen C0162565, MONDO:0008294, OMIM 176000.
ABCB6-related disorder. Also called: ABCB6-related condition.
Protoporphyria, erythropoietic, 1 (EPP1). Also called: FERROCHELATASE DEFICIENCY; HEME SYNTHETASE DEFICIENCY; Erythropoietic Protoporphyria, Autosomal Recessive. Identifiers: Orphanet 79278, MedGen C4692546, MONDO:0008319, OMIM 177000.

Allele frequency attached by ClinVar (database versions not stated): gnomAD exomes 0.01094; 1000 Genomes Project 30x 0.04919; TOPMed 0.05064; gnomAD 0.04800 and 0.04457; 1000 Genomes Project 0.04892; ExAC 0.01911; ESP Exome Variant Server 0.04885.
gnomAD v4.1: 13,271 of 1,598,210 alleles (0.83%); highest among the groups gnomAD compares: African/African-American, 15%; 935 homozygotes.

Submissions (7):

Labcorp Genetics (formerly Invitae), Labcorp
Classification: Benign. Last evaluated: 2026-02-01. Review status: criteria provided, single submitter. Criteria: Invitae Variant Classification Sherloc (09022015). Collection method: clinical testing. Allele origin: germline.

Mayo Clinic Laboratories, Mayo Clinic
Classification: Likely benign. Last evaluated: 2025-11-24. Review status: criteria provided, single submitter. Criteria: ACMG Guidelines, 2015. Collection method: clinical testing. Allele origin: germline. Observed: 51 variant alleles.

Phillips Lab,  Hematology, University of Utah
Classification: Benign for Acute intermittent porphyria. Last evaluated: 2021-08-16. Review status: criteria provided, single submitter. Criteria: Submitter’s Publication. Collection method: clinical testing. Allele origin: unknown. Affected: yes.

Phillips Lab,  Hematology, University of Utah
Classification: Benign for Protoporphyria, erythropoietic, 1. Last evaluated: 2021-08-16. Review status: criteria provided, single submitter. Criteria: Submitter’s Publication. Collection method: clinical testing. Allele origin: unknown. Affected: yes.

GeneDx
Classification: Benign. Last evaluated: 2021-05-04. Review status: criteria provided, single submitter. Criteria: GeneDx Variant Classification Process June 2021. Collection method: clinical testing. Allele origin: germline. Affected: yes.
Comment: This variant is associated with the following publications: (PMID: 23763549)

Breakthrough Genomics
Classification: Benign. Review status: criteria provided, single submitter. Criteria: ACMG Guidelines, 2015. Collection method: not provided. Allele origin: germline. Inheritance: Autosomal dominant inheritance. Affected: yes.

PreventionGenetics, part of Exact Sciences
Classification: Benign for ABCB6-related condition. Last evaluated: 2019-05-08. Review status: no assertion criteria provided. Collection method: clinical testing. Allele origin: germline. Not counted in ClinVar's aggregate classification.
Comment: This variant is classified as benign based on ACMG/AMP sequence variant interpretation guidelines (Richards et al. 2015 PMID: 25741868, with internal and published modifications).

NM_005689.4(ABCB6):c.1028G>A (p.Arg343Gln)

Gene: ABCB6 (ATP binding cassette subfamily B member 6 (LAN blood group); minus strand). Cytogenetic location: 2q35.
Variant type: single nucleotide variant.
Coding change: c.1028G>A on transcript NM_005689.4 (MANE Select); coding-DNA position 1028, G replaced by A.
Protein change: p.Arg343Gln; replaces arginine 343 with glutamine.
Molecular consequence: missense variant.
Genome position (GRCh38, 1-based): chr2:219,216,123, C>T on the plus strand (G>A on the coding strand, the complement: ABCB6 is on the minus strand). VCF-style: chr2-219216123-C-T. GRCh37 (hg19) VCF-style: chr2-220080845-C-T.
Other names: p.Arg343Gln; c.890G>A, p.Arg297Gln (NM_001349828.2); short protein forms R297Q, R343Q.
Identifiers: ClinVar variation 1227694 (VCV001227694.16), dbSNP rs60322991, ClinGen allele CA2119546.